The following is an entry in ClinVar:

NM_000993.5(RPL31):c.140A>G (p.Lys47Arg)

Gene: RPL31 (ribosomal protein L31; plus strand). Cytogenetic location: 2q11.2.
Variant type: single nucleotide variant.
Coding change: c.140A>G on transcript NM_000993.5 (MANE Select); coding-DNA position 140, A replaced by G.
Protein change: p.Lys47Arg; replaces lysine 47 with arginine.
Molecular consequence: missense variant.
Genome position (GRCh38, 1-based): chr2:101,004,190, A>G. VCF-style: chr2-101004190-A-G. GRCh37 (hg19) VCF-style: chr2-101620652-A-G.
Other names: c.140A>G, p.Lys47Arg (NM_001098577.3, NM_001098578.1, NM_001099693.2); short protein forms K47R.
Identifiers: ClinVar variation 2287297 (VCV002287297.5), dbSNP rs1418315642, ClinGen allele CA347901094.
Genomic context (GRCh38, chr2:101,004,190, plus strand): 5'-AATTTGTTCACTTATGTTTGAATCGTAGGGGCTTCAAGAAGCGTGCACCTCGGGCACTCA[A>G]AGAGATTCGGAAATTTGCCATGAAGGAGATGGGAACTCCAGATGTGCGCATTGACACCAG-3'
Protein context (NP_000984.1, residues 37-57): GFKKRAPRAL[Lys47Arg]EIRKFAMKEM

ClinVar aggregate classification (germline): Uncertain significance. Review status: criteria provided, multiple submitters, no conflicts (2 of 4 stars). 2 submissions from 2 submitters: Uncertain significance (2). Last evaluated 2023-04-17.

Allele frequency attached by ClinVar (database versions not stated): gnomAD exomes below 0.00001; gnomAD 0.00002; TOPMed 0.00002.
gnomAD v4.1: 9 of 1,613,940 alleles (0.00056%); highest among the groups gnomAD compares: Non-Finnish European, 0.00068%; no homozygotes.

Submissions (2):

Labcorp Genetics (formerly Invitae), Labcorp
Classification: Uncertain significance. Last evaluated: 2023-04-17. Review status: criteria provided, single submitter. Criteria: Invitae Variant Classification Sherloc (09022015). Collection method: clinical testing. Allele origin: germline.
Comment: This variant is present in population databases (no rsID available, gnomAD 0.01%). This sequence change replaces lysine, which is basic and polar, with arginine, which is basic and polar, at codon 47 of the RPL31 protein (p.Lys47Arg). This variant has not been reported in the literature in individuals affected with RPL31-related conditions. ClinVar contains an entry for this variant (Variation ID: 2287297). An algorithm developed to predict the effect of missense changes on protein structure and function (PolyPhen-2) suggests that this variant is likely to be tolerated. In summary, the available evidence is currently insufficient to determine the role of this variant in disease. Therefore, it has been classified as a Variant of Uncertain Significance.

Ambry Genetics
Classification: Uncertain significance. Last evaluated: 2022-05-04. Review status: criteria provided, single submitter. Criteria: Ambry Variant Classification Scheme 2023. Collection method: clinical testing. Allele origin: germline.